The following is an entry in ClinVar:

NM_006341.4(MAD2L2):c.145A>G (p.Asn49Asp)

Gene: MAD2L2 (mitotic arrest deficient 2 like 2; minus strand). Cytogenetic location: 1p36.22.
Variant type: single nucleotide variant.
Coding change: c.145A>G on transcript NM_006341.4 (MANE Select); coding-DNA position 145, A replaced by G.
Protein change: p.Asn49Asp; replaces asparagine 49 with aspartic acid.
Molecular consequence: missense variant.
Genome position (GRCh38, 1-based): chr1:11,680,367, T>C on the plus strand (A>G on the coding strand, the complement: MAD2L2 is on the minus strand). VCF-style: chr1-11680367-T-C. GRCh37 (hg19) VCF-style: chr1-11740424-T-C.
Other names: c.145A>G, p.Asn49Asp (NM_001127325.2); short protein forms N49D.
Identifiers: ClinVar variation 2862690 (VCV002862690.3), dbSNP rs2521936591, ClinGen allele CA338418095.

ClinVar aggregate classification (germline): Uncertain significance (1 of 4 stars; one submission).

Allele frequency attached by ClinVar (database versions not stated): gnomAD exomes below 0.00001.
gnomAD v4.1: 1 of 1,613,796 alleles (0.000062%); highest among the groups gnomAD compares: Non-Finnish European, 0.000085%; no homozygotes.

Submission:

Labcorp Genetics (formerly Invitae), Labcorp
Classification: Uncertain significance. Last evaluated: 2023-05-08. Review status: criteria provided, single submitter. Criteria: Invitae Variant Classification Sherloc (09022015). Collection method: clinical testing. Allele origin: germline.
Comment: This sequence change replaces asparagine, which is neutral and polar, with aspartic acid, which is acidic and polar, at codon 49 of the MAD2L2 protein (p.Asn49Asp). This variant is not present in population databases (gnomAD no frequency). This variant has not been reported in the literature in individuals affected with MAD2L2-related conditions. An algorithm developed to predict the effect of missense changes on protein structure and function (PolyPhen-2) suggests that this variant is likely to be tolerated. In summary, the available evidence is currently insufficient to determine the role of this variant in disease. Therefore, it has been classified as a Variant of Uncertain Significance.